The following is an entry in ClinVar:

ClinVar aggregate classification (germline): Pathogenic/Likely pathogenic. Review status: criteria provided, multiple submitters, no conflicts (2 of 4 stars). 2 submissions from 2 submitters: Pathogenic (1); Likely pathogenic (1). Last evaluated 2025-08-08.

Submissions (2):

Dasa
Classification: Pathogenic. Last evaluated: 2025-08-08. Review status: criteria provided, single submitter. Criteria: DASA Assertion Criteria. Collection method: clinical testing. Allele origin: germline.
Comment: NM_012330.4(KAT6B):c.1061+1G>A introduces a premature termination codon predicted to result in loss of normal protein function. Loss-of-function is an established mechanism of disease for this gene. This variant has been reported in individuals with related phenotype (PMID: 32424177). The variant is present at low frequency in population datasets. Based on the available data, this variant is classified as pathogenic.

GeneDx
Classification: Likely pathogenic. Last evaluated: 2020-03-31. Review status: criteria provided, single submitter. Criteria: GeneDx Variant Classification Process June 2021. Collection method: clinical testing. Allele origin: germline. Affected: yes.
Comment: Canonical splice site variant in a gene for which loss-of-function is a known mechanism of disease; Not observed in large population cohorts (Lek et al., 2016); Has not been previously published as pathogenic or benign to our knowledge; This variant is associated with the following publications: (PMID: 32424177)

Literature cited by the submitters: PubMed 32424177 (cited by Dasa).

NM_012330.4(KAT6B):c.1061+1G>A

Gene: KAT6B (lysine acetyltransferase 6B; plus strand). Cytogenetic location: 10q22.2.
Variant type: single nucleotide variant.
Coding change: c.1061+1G>A on transcript NM_012330.4 (MANE Select); the canonical splice donor site of the intron after coding-DNA position 1061, G replaced by A.
Molecular consequence: splice donor variant. On other transcripts: intron variant (5).
Genome position (GRCh38, 1-based): chr10:74,972,640, G>A. VCF-style: chr10-74972640-G-A. GRCh37 (hg19) VCF-style: chr10-76732398-G-A.
Other names: c.1061+1G>A (NM_001370139.1, NM_001370136.1, NM_001370138.1 and 7 more transcripts); c.846+2865G>A (NM_001370133.1); c.193-6584G>A (NM_001370134.1); c.928+2539G>A (NM_001370143.1, NM_001370144.1); c.192+12562G>A (NM_001370135.1).
Identifiers: ClinVar variation 1219116 (VCV001219116.4), dbSNP rs2133689570, ClinGen allele CA377283739.